The following is an entry in ClinVar:

NM_025000.4(DCAF17):c.1469T>C (p.Ile490Thr)

Gene: DCAF17 (DDB1 and CUL4 associated factor 17; plus strand). Cytogenetic location: 2q31.1.
Variant type: single nucleotide variant.
Coding change: c.1469T>C on transcript NM_025000.4 (MANE Select); coding-DNA position 1469, T replaced by C.
Protein change: p.Ile490Thr; replaces isoleucine 490 with threonine.
Molecular consequence: missense variant. On other transcripts: non-coding transcript variant (1).
Genome position (GRCh38, 1-based): chr2:171,481,020, T>C. VCF-style: chr2-171481020-T-C. GRCh37 (hg19) VCF-style: chr2-172337530-T-C.
Other names: c.1268T>C, p.Ile423Thr (NM_001164821.2); short protein forms I490T, I423T.
Identifiers: ClinVar variation 1363425 (VCV001363425.8), dbSNP rs1696719528, ClinGen allele CA349279852.

ClinVar aggregate classification (germline): Uncertain significance (1 of 4 stars; one submission).

Conditions:
Woodhouse-Sakati syndrome. Also called: Hypogonadism, Alopecia, Diabetes Mellitus, Mental Retardation, and Extrapyramidal Syndrome; Hypogonadism, diabetes mellitus, alopecia, mental retardation and electrocardiographic abnormalities; EXTRAPYRAMIDAL DISORDER, PROGRESSIVE, WITH PRIMARY HYPOGONADISM, MENTAL RETARDATION, AND ALOPECIA. Identifiers: Orphanet 3464, MedGen C0342286, MONDO:0009419, OMIM 241080.

Allele frequency attached by ClinVar (database versions not stated): gnomAD exomes below 0.00001; TOPMed below 0.00001.
gnomAD v4.1: 1 of 1,613,770 alleles (0.000062%); no homozygotes.

Submission:

Labcorp Genetics (formerly Invitae), Labcorp
Classification: Uncertain significance for Woodhouse-Sakati syndrome. Last evaluated: 2023-04-24. Review status: criteria provided, single submitter. Criteria: Invitae Variant Classification Sherloc (09022015). Collection method: clinical testing. Allele origin: germline.
Comment: This variant has not been reported in the literature in individuals affected with DCAF17-related conditions. This variant is not present in population databases (gnomAD no frequency). This sequence change replaces isoleucine, which is neutral and non-polar, with threonine, which is neutral and polar, at codon 490 of the DCAF17 protein (p.Ile490Thr). ClinVar contains an entry for this variant (Variation ID: 1363425). In summary, the available evidence is currently insufficient to determine the role of this variant in disease. Therefore, it has been classified as a Variant of Uncertain Significance. Advanced modeling of protein sequence and biophysical properties (such as structural, functional, and spatial information, amino acid conservation, physicochemical variation, residue mobility, and thermodynamic stability) performed at Invitae indicates that this missense variant is not expected to disrupt DCAF17 protein function.